The following is an entry in ClinVar:

NC_000016.9:g.(?_89839659)_(89851392_?)del

Gene: FANCA (FA complementation group A; minus strand). Cytogenetic location: 16q24.3.
Variant type: Deletion.
Identifiers: ClinVar variation 2422408 (VCV002422408.2).

ClinVar aggregate classification (germline): Pathogenic (1 of 4 stars; one submission).

Conditions:
Fanconi anemia (FA). Also called: Fanconi's anemia. Identifiers: Orphanet 84, MedGen C0015625, MeSH D005199, MONDO:0019391.

Submission:

Labcorp Genetics (formerly Invitae), Labcorp
Classification: Pathogenic for Fanconi anemia. Last evaluated: 2022-04-10. Review status: criteria provided, single submitter. Criteria: Invitae Variant Classification Sherloc (09022015). Collection method: clinical testing. Allele origin: germline.
Comment: This variant is a gross deletion of the genomic region encompassing exon(s) 15-22 of the FANCA gene. This deletion is out-of-frame, and is expected to create a premature termination codon and result in an absent or disrupted protein product. Loss-of-function variants in FANCA are known to be pathogenic (PMID: 19367192). This variant has not been reported in the literature in individuals affected with FANCA-related conditions. For these reasons, this variant has been classified as Pathogenic.

Literature cited by the submitters: PubMed 19367192.